The following is an entry in ClinVar:

ClinVar aggregate classification (germline): Uncertain significance (1 of 4 stars; one submission).

Conditions:
Capillary malformation-arteriovenous malformation syndrome. Also called: Capillary malformation-arteriovenous malformation. Identifiers: Orphanet 137667, MedGen C1842180, MONDO:0012016.

Allele frequency attached by ClinVar (database versions not stated): gnomAD exomes below 0.00001.
gnomAD v4.1: 1 of 1,612,182 alleles (0.000062%); highest among the groups gnomAD compares: Non-Finnish European, 0.000085%; no homozygotes.

Submission:

Labcorp Genetics (formerly Invitae), Labcorp
Classification: Uncertain significance for Capillary malformation-arteriovenous malformation syndrome. Last evaluated: 2016-04-29. Review status: criteria provided, single submitter. Criteria: Invitae Variant Classification Sherloc (09022015). Collection method: clinical testing. Allele origin: germline.
Comment: In summary, this variant is a novel missense change with uncertain impact on protein function. It has been classified as a Variant of Uncertain Significance. Algorithms developed to predict the effect of missense changes on protein structure and function do not agree on the potential impact of this missense change (SIFT: "Deleterious"; PolyPhen-2: "Benign"; Align-GVGD: "Class C0"). This variant is not present in population databases (ExAC no frequency) and has not been reported in the literature in individuals with a RASA1-related disease. This sequence change replaces asparagine with aspartic acid at codon 381 of the RASA1 protein (p.Asn381Asp). The asparagine residue is highly conserved and there is a small physicochemical difference between asparagine and aspartic acid.

NM_002890.3(RASA1):c.1141A>G (p.Asn381Asp)

Genes: CCNH (cyclin H; minus strand), RASA1 (RAS p21 protein activator 1; plus strand). Cytogenetic location: 5q14.3.
Variant type: single nucleotide variant.
Coding change: c.1141A>G on transcript NM_002890.3 (MANE Select); coding-DNA position 1141, A replaced by G.
Protein change: p.Asn381Asp; replaces asparagine 381 with aspartic acid.
Molecular consequence: missense variant. On other transcripts: intron variant (1).
Genome position (GRCh38, 1-based): chr5:87,349,252, A>G. VCF-style: chr5-87349252-A-G. GRCh37 (hg19) VCF-style: chr5-86645069-A-G.
Other names: c.610A>G, p.Asn204Asp (NM_022650.3); c.934-36457T>C (NM_001364075.2); short protein forms N381D, N204D.
Identifiers: ClinVar variation 411710 (VCV000411710.9), dbSNP rs1060503437, ClinGen allele CA16612094.